The following is an entry in ClinVar:

NM_001164508.2(NEB):c.5839A>T (p.Lys1947Ter)

Gene: NEB (nebulin; minus strand). Cytogenetic location: 2q23.3.
Variant type: single nucleotide variant.
Coding change: c.5839A>T on transcript NM_001164508.2 (MANE Select); coding-DNA position 5839, A replaced by T.
Protein change: p.Lys1947Ter; replaces lysine 1947 with a stop codon.
Molecular consequence: nonsense.
Genome position (GRCh38, 1-based): chr2:151,662,266, T>A on the plus strand (A>T on the coding strand, the complement: NEB is on the minus strand). VCF-style: chr2-151662266-T-A. GRCh37 (hg19) VCF-style: chr2-152518780-T-A.
Other names: c.5839A>T, p.Lys1947Ter (NM_001164507.2, NM_001271208.2, NM_004543.5); short protein forms K1947*.
Identifiers: ClinVar variation 1725687 (VCV001725687.2), dbSNP rs1379879241, ClinGen allele CA348806359.

ClinVar aggregate classification (germline): Likely pathogenic (1 of 4 stars; one submission).

Conditions:
Nemaline myopathy 2 (NEM2). Also called: Nemaline myopathy 2, autosomal recessive. Identifiers: MedGen C1850569, MONDO:0009725, OMIM 256030.

Submission:

Myriad Genetics, Inc.
Classification: Likely pathogenic for Nemaline myopathy 2. Last evaluated: 2022-03-31. Review status: criteria provided, single submitter. Criteria: Myriad Women's Health Autosomal Recessive and X-Linked Classification Criteria (2021). Collection method: clinical testing. Allele origin: unknown.
Comment: NM_001271208.1(NEB):c.5839A>T(K1947*) is expected to be pathogenic in the context of NEB-related nemaline myopathy. This variant is predicted to lead to an abnormal or absent protein product due to the creation of a premature termination codon in NEB, a gene where loss-of-function variants are known to be pathogenic. Please note: this variant was assessed in the context of healthy population screening.